The following is an entry in ClinVar:

NM_001374828.1(ARID1B):c.3919+2101G>A

Gene: ARID1B (AT-rich interaction domain 1B; plus strand). Cytogenetic location: 6q25.3.
Variant type: single nucleotide variant.
Coding change: c.3919+2101G>A on transcript NM_001374828.1 (MANE Select); 2101 bases into the intron after coding-DNA position 3919, G replaced by A.
Molecular consequence: intron variant.
Genome position (GRCh38, 1-based): chr6:157,186,536, G>A. VCF-style: chr6-157186536-G-A. GRCh37 (hg19) VCF-style: chr6-157507670-G-A.
Other names: c.3799+2101G>A (NM_001371656.1, NM_001374820.1); c.3760+2101G>A (NM_017519.3); c.1420+2101G>A (NM_001363725.2).
Identifiers: ClinVar variation 2657064 (VCV002657064.24), dbSNP rs148720121, ClinGen allele CA4067465.
Genomic context (GRCh38, chr6:157,186,536, plus strand): 5'-CAGGCAGAGGCACCCTGGTCTTCAGAAGCCTCTCGATTCACTGCCACCCACACAGCAGGT[G>A]GCCTCTCCGATTCCAGTCCCATCATTAGGGAAAGTGTCTGGAAACATTTTTGTTGTTAAA-3'

ClinVar aggregate classification (germline): Likely benign (1 of 4 stars; one submission).

Allele frequency attached by ClinVar (database versions not stated): 1000 Genomes Project 0.00160; 1000 Genomes Project 30x 0.00172; gnomAD 0.00179; gnomAD exomes 0.00230; TOPMed 0.00255; ExAC 0.00269.
gnomAD v4.1: 1,037 of 471,104 alleles (0.22%); highest among the groups gnomAD compares: Middle Eastern, 4.3%; 12 homozygotes.

Submission:

CeGaT Center for Human Genetics Tuebingen
Classification: Likely benign. Last evaluated: 2023-03-01. Review status: criteria provided, single submitter. Criteria: CeGaT Center For Human Genetics Tuebingen Variant Classification Criteria Version 2. Collection method: clinical testing. Allele origin: germline. Affected: yes. Observed: 4 variant alleles.
Comment: ARID1B: BS1